The following is an entry in ClinVar:

NM_004329.3(BMPR1A):c.739G>A (p.Glu247Lys)

Gene: BMPR1A (bone morphogenetic protein receptor type 1A; plus strand). Cytogenetic location: 10q23.2.
Variant type: single nucleotide variant.
Coding change: c.739G>A on transcript NM_004329.3 (MANE Select); coding-DNA position 739, G replaced by A.
Protein change: p.Glu247Lys; replaces glutamic acid 247 with lysine.
Molecular consequence: missense variant.
Genome position (GRCh38, 1-based): chr10:86,917,197, G>A. VCF-style: chr10-86917197-G-A. GRCh37 (hg19) VCF-style: chr10-88676954-G-A.
Other names: short protein forms E247K.
Identifiers: ClinVar variation 920425 (VCV000920425.4), dbSNP rs1843584217, ClinGen allele CA377457414.

ClinVar aggregate classification (germline): Uncertain significance (1 of 4 stars; one submission).

Conditions:
Hereditary cancer-predisposing syndrome. Also called: Neoplastic Syndromes, Hereditary; Tumor predisposition; Hereditary Cancer Syndrome; Hereditary neoplastic syndrome. Identifiers: Orphanet 140162, MedGen C0027672, MeSH D009386, MONDO:0015356.

Submission:

Color Diagnostics, LLC DBA Color Health
Classification: Uncertain significance for Hereditary cancer-predisposing syndrome. Last evaluated: 2023-12-04. Review status: criteria provided, single submitter. Criteria: ACMG Guidelines, 2015. Collection method: clinical testing. Allele origin: germline.
Comment: This missense variant replaces glutamic acid with lysine at codon 247 of the BMPR1A protein. Computational prediction is inconclusive regarding the impact of this variant on protein structure and function (internally defined REVEL score threshold 0.5 < inconclusive < 0.7, PMID: 27666373). To our knowledge, functional studies have not been reported for this variant. This variant has not been reported in individuals affected with BMPR1A-related disorders in the literature. This variant has not been identified in the general population by the Genome Aggregation Database (gnomAD). The available evidence is insufficient to determine the role of this variant in disease conclusively. Therefore, this variant is classified as a Variant of Uncertain Significance.